The following is an entry in ClinVar:

ClinVar aggregate classification (germline): Benign/Likely benign. Review status: criteria provided, multiple submitters, no conflicts (2 of 4 stars). 4 submissions from 4 submitters: Benign (1); Likely benign (1). 2 of the submissions do not count toward it. Last evaluated 2026-02-01.

Allele frequency attached by ClinVar (database versions not stated): 1000 Genomes Project 30x 0.00031; 1000 Genomes Project 0.00040; TOPMed 0.00147; ESP Exome Variant Server 0.00208; gnomAD 0.00211 and 0.00225; gnomAD exomes 0.00238 and 0.00271; ExAC 0.00262.
gnomAD v4.1: 4,206 of 1,614,170 alleles (0.26%); highest among the groups gnomAD compares: Non-Finnish European, 0.3%; 13 homozygotes.

Submissions (4):

Labcorp Genetics (formerly Invitae), Labcorp
Classification: Benign. Last evaluated: 2026-02-01. Review status: criteria provided, single submitter. Criteria: Invitae Variant Classification Sherloc (09022015). Collection method: clinical testing. Allele origin: germline.

CeGaT Center for Human Genetics Tuebingen
Classification: Likely benign. Last evaluated: 2023-12-01. Review status: criteria provided, single submitter. Criteria: CeGaT Center For Human Genetics Tuebingen Variant Classification Criteria Version 2. Collection method: clinical testing. Allele origin: germline. Affected: yes. Observed: 1 variant allele.
Comment: STAT4: BP4, BP7

Clinical Genetics DNA and cytogenetics Diagnostics Lab, Erasmus MC, Erasmus Medical Center
Classification: Likely benign. Review status: no assertion criteria provided. Collection method: clinical testing. Allele origin: germline. Affected: yes. Study: VKGL Data-share Consensus. Not counted in ClinVar's aggregate classification.

Genome Diagnostics Laboratory, University Medical Center Utrecht
Classification: Likely benign. Review status: no assertion criteria provided. Collection method: clinical testing. Allele origin: germline. Affected: yes. Study: VKGL Data-share Consensus. Not counted in ClinVar's aggregate classification.

NM_003151.4(STAT4):c.1476T>C (p.Ser492=)

Gene: STAT4 (signal transducer and activator of transcription 4; minus strand). Cytogenetic location: 2q32.2.
Variant type: single nucleotide variant.
Coding change: c.1476T>C on transcript NM_003151.4 (MANE Select); coding-DNA position 1476, T replaced by C.
Protein change: p.Ser492=; no amino-acid change (serine 492 retained).
Molecular consequence: synonymous variant.
Genome position (GRCh38, 1-based): chr2:191,036,258, A>G on the plus strand (T>C on the coding strand, the complement: STAT4 is on the minus strand). VCF-style: chr2-191036258-A-G. GRCh37 (hg19) VCF-style: chr2-191900984-A-G.
Other names: c.1476T>C, p.Ser492= (NM_001243835.2).
Identifiers: ClinVar variation 708166 (VCV000708166.35), dbSNP rs138191914, ClinGen allele CA2030569.
Genomic context (GRCh38, chr2:191,036,258, plus strand): 5'-TGAGTTAAGACCACGACCAACGTACGATGAAAACTGCCAGCTCATCACCTCCAGTAGTTG[A>G]CTCAATGTGGCAGGTGGAGGATTATTAAAGAAAACCAAGTTCTGAAATAGAGTCAAGATG-3'
Protein context (NP_003142.1, residues 482-502): FFNNPPPATL[Ser492=]QLLEVMSWQF